The following is an entry in ClinVar:

ClinVar aggregate classification (germline): Uncertain significance (1 of 4 stars; one submission).

Conditions:
Cardiomyopathy (CMYO). Also called: Cardiomyopathies. Identifiers: Orphanet 167848, MedGen C0878544, MONDO:0004994, HP:0001638. Inheritance: Various modes of inheritance.

Allele frequency attached by ClinVar (database versions not stated): gnomAD exomes 0.00001 and below 0.00001; gnomAD below 0.00001 and 0.00001; ExAC 0.00001.
gnomAD v4.1: 5 of 1,613,868 alleles (0.00031%); highest among the groups gnomAD compares: South Asian, 0.0055%; no homozygotes.

Submission:

Color Diagnostics, LLC DBA Color Health
Classification: Uncertain significance for Cardiomyopathy. Last evaluated: 2025-11-07. Review status: criteria provided, single submitter. Criteria: ACMG Guidelines, 2015. Collection method: clinical testing. Allele origin: germline.
Comment: This variant causes a single nucleotide substitution in the 3' untranslated region in the TPM1 gene. To our knowledge, functional studies have not been reported for this variant. This variant has not been reported in individuals affected with TPM1-related disorders in the literature. This variant has been identified in 5/1613868 chromosomes in the general population by the Genome Aggregation Database (gnomAD). The available evidence is insufficient to determine the role of this variant in disease conclusively. Therefore, this variant is classified as a Variant of Uncertain Significance.

NC_000015.10:g.63071082C>T

Gene: TPM1 (tropomyosin 1; plus strand). Cytogenetic location: 15q22.2.
Variant type: single nucleotide variant.
Molecular consequence: 3 prime UTR variant (on NM_001018008.2). On other transcripts: non-coding transcript variant (5), intron variant (8).
Genome position: GRCh38 VCF-style: chr15-63071082-C-T. GRCh37 (hg19) VCF-style: chr15-63363281-C-T.
Other names: c.*1139C>T (NM_001018008.2, NM_001330351.2, NM_001365776.1 and 3 more transcripts); c.899-8C>T (NM_001365778.1); c.773-8C>T (NM_001018020.2, NM_001018007.2, NM_001018006.2 and 1 more transcripts); c.852-8C>T (NM_001407326.1); c.665-8C>T (NM_001330344.2, NM_001301289.2).
Identifiers: ClinVar variation 919995 (VCV000919995.4), dbSNP rs780444222, ClinGen allele CA034203.